The following is an entry in ClinVar:

NM_001711.6(BGN):c.504C>A (p.Asp168Glu)

Gene: BGN (biglycan; plus strand). Cytogenetic location: Xq28.
Variant type: single nucleotide variant.
Coding change: c.504C>A on transcript NM_001711.6 (MANE Select); coding-DNA position 504, C replaced by A.
Protein change: p.Asp168Glu; replaces aspartic acid 168 with glutamic acid.
Molecular consequence: missense variant.
Genome position (GRCh38, 1-based): chrX:153,506,015, C>A. VCF-style: chrX-153506015-C-A. GRCh37 (hg19) VCF-style: chrX-152771473-C-A.
Other names: short protein forms D168E.
Identifiers: ClinVar variation 1049529 (VCV001049529.5), dbSNP rs1556993047, ClinGen allele CA415069832.

ClinVar aggregate classification (germline): Uncertain significance. Review status: criteria provided, single submitter (1 of 4 stars). 2 submissions from 2 submitters: Uncertain significance (1). 1 of the submissions does not count toward it. Last evaluated 2026-02-01.

Allele frequency attached by ClinVar (database versions not stated): gnomAD exomes below 0.00001 and 0.00001.
gnomAD v4.1: 3 of 1,212,033 alleles (0.00025%); highest among the groups gnomAD compares: East Asian, 0.0059%; no homozygotes.

Submissions (2):

CeGaT Center for Human Genetics Tuebingen
Classification: Uncertain significance. Last evaluated: 2026-02-01. Review status: criteria provided, single submitter. Criteria: CeGaT Center For Human Genetics Tuebingen Variant Classification Criteria Version 2. Collection method: clinical testing. Allele origin: germline. Affected: yes. Observed: 1 variant allele.

Department of Pathology and Laboratory Medicine, Sinai Health System
Classification: Uncertain significance. Review status: no assertion criteria provided. Collection method: clinical testing. Allele origin: unknown. Affected: yes. Study: The Canadian Open Genetics Repository (COGR). Not counted in ClinVar's aggregate classification.
Comment: The BGN p.D168E variant was not identified in the literature nor was it identified in ClinVar or dbSNP. The variant was identified in control databases in 1 of 183186 chromosomes at a frequency of 0.000005459 (Genome Aggregation Database March 6, 2019, v2.1.1). The p.D168 residue is conserved in mammals and computational analyses (MUT Assesor, PolyPhen-2, SIFT, MutationTaster, Revel, FATHMM, MetaLR, DANN) provide inconsistent predictions regarding the impact to the protein; this information is not very predictive of pathogenicity. The variant occurs outside of the splicing consensus sequence and in silico or computational prediction software programs (Splice AI exome) do not predict a difference in splicing. In summary, based on the above information the clinical significance of this variant cannot be determined with certainty at this time. This variant is classified as a variant of uncertain significance.